The following is an entry in ClinVar:

ClinVar aggregate classification (germline): Uncertain significance (1 of 4 stars; one submission).

Allele frequency attached by ClinVar (database versions not stated): gnomAD exomes 0.00002; ExAC 0.00003.
gnomAD v4.1: 14 of 1,613,570 alleles (0.00087%); highest among the groups gnomAD compares: South Asian, 0.015%; no homozygotes.

Submission:

Labcorp Genetics (formerly Invitae), Labcorp
Classification: Uncertain significance. Last evaluated: 2022-04-19. Review status: criteria provided, single submitter. Criteria: Invitae Variant Classification Sherloc (09022015). Collection method: clinical testing. Allele origin: germline.
Comment: This sequence change replaces alanine, which is neutral and non-polar, with valine, which is neutral and non-polar, at codon 131 of the WDR36 protein (p.Ala131Val). This variant is present in population databases (rs778033080, gnomAD 0.02%). This variant has not been reported in the literature in individuals affected with WDR36-related conditions. Algorithms developed to predict the effect of missense changes on protein structure and function are either unavailable or do not agree on the potential impact of this missense change (SIFT: "Deleterious"; PolyPhen-2: "Benign"; Align-GVGD: "Class C0"). Algorithms developed to predict the effect of sequence changes on RNA splicing suggest that this variant may create or strengthen a splice site. In summary, the available evidence is currently insufficient to determine the role of this variant in disease. Therefore, it has been classified as a Variant of Uncertain Significance.

NM_139281.3(WDR36):c.224C>T (p.Ala75Val)

Gene: WDR36 (WD repeat domain 36; plus strand). Cytogenetic location: 5q22.1.
Variant type: single nucleotide variant.
Coding change: c.224C>T on transcript NM_139281.3 (MANE Select); coding-DNA position 224, C replaced by T.
Protein change: p.Ala75Val; replaces alanine 75 with valine.
Molecular consequence: missense variant.
Genome position (GRCh38, 1-based): chr5:111,097,112, C>T. VCF-style: chr5-111097112-C-T. GRCh37 (hg19) VCF-style: chr5-110432810-C-T.
Other names: short protein forms A75V.
Identifiers: ClinVar variation 1397802 (VCV001397802.8), dbSNP rs778033080, ClinGen allele CA3365215.
Genomic context (GRCh38, chr5:111,097,112, plus strand): 5'-TTTCTTTCATTTTGTATTTTCTGCTAGGTAATTCTGTTCCACAGGATATCTGCTGTATGG[C>T]AGCTGATGGCAGATTAGTCTTTGCTGCTTATGGAAATGTTTTCTCTGCATTTGCCCGTAA-3'
Protein context (NP_644810.2, residues 65-85): NSVPQDICCM[Ala75Val]ADGRLVFAAY